The following is an entry in ClinVar:

NM_000275.3(OCA2):c.482del (p.Ser161fs)

Gene: OCA2 (OCA2 melanosomal transmembrane protein; minus strand). Cytogenetic location: 15q13.1.
Variant type: Deletion.
Coding change: c.482del on transcript NM_000275.3 (MANE Select); coding-DNA position 482, one base deleted (G; older notation c.482delG).
Protein change: p.Ser161fs; shifts the reading frame from serine 161.
Molecular consequence: frameshift variant.
Genome position (GRCh38, 1-based): chr15:28,027,904, C deleted on the plus strand (G on the coding strand, the reverse complement: OCA2 is on the minus strand). VCF-style (leftmost placement, unchanged base first): chr15-28027903-GC-G. GRCh37 (hg19) VCF-style: chr15-28273049-GC-G.
Other names: c.482del, p.Ser161fs (NM_001300984.2); short protein forms S161fs.
Identifiers: ClinVar variation 2736167 (VCV002736167.3), dbSNP rs2548495118, ClinGen allele CA2695219861.

ClinVar aggregate classification (germline): Pathogenic (1 of 4 stars; one submission).

Submission:

Labcorp Genetics (formerly Invitae), Labcorp
Classification: Pathogenic. Last evaluated: 2023-07-09. Review status: criteria provided, single submitter. Criteria: Invitae Variant Classification Sherloc (09022015). Collection method: clinical testing. Allele origin: germline.
Comment: For these reasons, this variant has been classified as Pathogenic. This variant is also known as S161, ∆G. This premature translational stop signal has been observed in individual(s) with oculocutaneous albinism (PMID: 9259203). This variant is not present in population databases (gnomAD no frequency). This sequence change creates a premature translational stop signal (p.Ser161Thrfs*11) in the OCA2 gene. It is expected to result in an absent or disrupted protein product. Loss-of-function variants in OCA2 are known to be pathogenic (PMID: 19865097, 21541274).

Literature cited by the submitters: PubMed 9259203; PubMed 19865097; PubMed 21541274.